The following is an entry in ClinVar:

ClinVar aggregate classification (germline): Uncertain significance. Review status: criteria provided, multiple submitters, no conflicts (2 of 4 stars). 2 submissions from 2 submitters: Uncertain significance (2). Last evaluated 2024-05-15.

Allele frequency attached by ClinVar (database versions not stated): gnomAD exomes below 0.00001 and 0.00002; TOPMed 0.00001; ExAC 0.00002; 1000 Genomes Project 30x 0.00016; 1000 Genomes Project 0.00020.
gnomAD v4.1: 8 of 1,614,174 alleles (0.0005%); highest among the groups gnomAD compares: East Asian, 0.018%; no homozygotes.

Submissions (2):

Blueprint Genetics
Classification: Uncertain significance. Last evaluated: 2024-05-15. Review status: criteria provided, single submitter. Criteria: ACMG Guidelines, 2015. Collection method: clinical testing. Allele origin: germline.

Labcorp Genetics (formerly Invitae), Labcorp
Classification: Uncertain significance. Last evaluated: 2022-07-12. Review status: criteria provided, single submitter. Criteria: Invitae Variant Classification Sherloc (09022015). Collection method: clinical testing. Allele origin: germline.
Comment: ClinVar contains an entry for this variant (Variation ID: 1351487). In summary, the available evidence is currently insufficient to determine the role of this variant in disease. Therefore, it has been classified as a Variant of Uncertain Significance. Algorithms developed to predict the effect of missense changes on protein structure and function output the following: SIFT: "Tolerated"; PolyPhen-2: "Benign"; Align-GVGD: "Class C0". The glutamic acid amino acid residue is found in multiple mammalian species, which suggests that this missense change does not adversely affect protein function. This variant has not been reported in the literature in individuals affected with PCARE-related conditions. This variant is present in population databases (rs535422868, gnomAD 0.03%). This sequence change replaces lysine, which is basic and polar, with glutamic acid, which is acidic and polar, at codon 471 of the PCARE protein (p.Lys471Glu).

NM_001029883.3(PCARE):c.1411A>G (p.Lys471Glu)

Gene: PCARE (photoreceptor cilium actin regulator; minus strand). Cytogenetic location: 2p23.2.
Variant type: single nucleotide variant.
Coding change: c.1411A>G on transcript NM_001029883.3 (MANE Select); coding-DNA position 1411, A replaced by G.
Protein change: p.Lys471Glu; replaces lysine 471 with glutamic acid.
Molecular consequence: missense variant.
Genome position (GRCh38, 1-based): chr2:29,072,851, T>C on the plus strand (A>G on the coding strand, the complement: PCARE is on the minus strand). VCF-style: chr2-29072851-T-C. GRCh37 (hg19) VCF-style: chr2-29295717-T-C.
Other names: short protein forms K471E.
Identifiers: ClinVar variation 1351487 (VCV001351487.9), dbSNP rs535422868, ClinGen allele CA1592428.